The following is an entry in ClinVar:

NM_203446.3(SYNJ1):c.3088C>T (p.Leu1030Phe)

Gene: SYNJ1 (synaptojanin 1; minus strand). Cytogenetic location: 21q22.11.
Variant type: single nucleotide variant.
Coding change: c.3088C>T on transcript NM_203446.3 (MANE Select); coding-DNA position 3088, C replaced by T.
Protein change: p.Leu1030Phe; replaces leucine 1030 with phenylalanine.
Molecular consequence: missense variant.
Genome position (GRCh38, 1-based): chr21:32,646,552, G>A on the plus strand (C>T on the coding strand, the complement: SYNJ1 is on the minus strand). VCF-style: chr21-32646552-G-A. GRCh37 (hg19) VCF-style: chr21-34018862-G-A.
Other names: c.3088C>T, p.Leu1030Phe (NM_001160302.2); c.3073C>T, p.Leu1025Phe (NM_001160306.2); c.3205C>T, p.Leu1069Phe (NM_003895.4); short protein forms L1069F, L1025F, L1030F.
Identifiers: ClinVar variation 2088104 (VCV002088104.4), dbSNP rs2517444590, ClinGen allele CA410069681.

ClinVar aggregate classification (germline): Uncertain significance (1 of 4 stars; one submission).

Conditions:
Developmental and epileptic encephalopathy, 53. Also called: Epileptic encephalopathy, early infantile, 53. Identifiers: MedGen C4479313, MONDO:0033362, OMIM 617389.
Early-onset Parkinson disease 20. Also called: PARKINSON DISEASE 20, AUTOSOMAL RECESSIVE EARLY-ONSET. Identifiers: Orphanet 391411, MedGen C3809824, MONDO:0014233, OMIM 615530.

Submission:

Labcorp Genetics (formerly Invitae), Labcorp
Classification: Uncertain significance for Developmental and epileptic encephalopathy, 53; Early-onset Parkinson disease 20. Last evaluated: 2023-07-07. Review status: criteria provided, single submitter. Criteria: Invitae Variant Classification Sherloc (09022015). Collection method: clinical testing. Allele origin: germline.
Comment: This sequence change replaces leucine, which is neutral and non-polar, with phenylalanine, which is neutral and non-polar, at codon 1069 of the SYNJ1 protein (p.Leu1069Phe). This variant is not present in population databases (gnomAD no frequency). This variant has not been reported in the literature in individuals affected with SYNJ1-related conditions. ClinVar contains an entry for this variant (Variation ID: 2088104). Advanced modeling of protein sequence and biophysical properties (such as structural, functional, and spatial information, amino acid conservation, physicochemical variation, residue mobility, and thermodynamic stability) performed at Invitae indicates that this missense variant is not expected to disrupt SYNJ1 protein function. In summary, the available evidence is currently insufficient to determine the role of this variant in disease. Therefore, it has been classified as a Variant of Uncertain Significance.